The following is an entry in ClinVar:

ClinVar aggregate classification (germline): Uncertain significance (1 of 4 stars; one submission).

Conditions:
Brugada syndrome 5 (BRGDA5). Identifiers: Orphanet 130, Orphanet 871, MedGen C2748541, MONDO:0013015, OMIM 612838.

Allele frequency attached by ClinVar (database versions not stated): TOPMed below 0.00001; gnomAD 0.00001; gnomAD exomes 0.00001 and 0.00002; ExAC 0.00002.
gnomAD v4.1: 11 of 1,613,292 alleles (0.00068%); highest among the groups gnomAD compares: Admixed American, 0.01%; no homozygotes.

Submission:

Labcorp Genetics (formerly Invitae), Labcorp
Classification: Uncertain significance for Brugada syndrome 5. Last evaluated: 2024-10-21. Review status: criteria provided, single submitter. Criteria: Invitae Variant Classification Sherloc (09022015). Collection method: clinical testing. Allele origin: germline.
Comment: This sequence change falls in intron 2 of the SCN1B gene. It does not directly change the encoded amino acid sequence of the SCN1B protein. It affects a nucleotide within the consensus splice site. This variant is present in population databases (rs771917643, gnomAD 0.01%). This variant has not been reported in the literature in individuals affected with SCN1B-related conditions. ClinVar contains an entry for this variant (Variation ID: 935943). Variants that disrupt the consensus splice site are a relatively common cause of aberrant splicing (PMID: 17576681, 9536098). Algorithms developed to predict the effect of sequence changes on RNA splicing suggest that this variant is not likely to affect RNA splicing. In summary, the available evidence is currently insufficient to determine the role of this variant in disease. Therefore, it has been classified as a Variant of Uncertain Significance.

Literature cited by the submitters: PubMed 17576681; PubMed 9536098.

NM_001037.5(SCN1B):c.207+6C>T

Gene: SCN1B (sodium voltage-gated channel beta subunit 1; plus strand). Cytogenetic location: 19q13.11.
Variant type: single nucleotide variant.
Coding change: c.207+6C>T on transcript NM_001037.5 (MANE Select); 6 bases into the intron after coding-DNA position 207, C replaced by T.
Molecular consequence: intron variant.
Genome position (GRCh38, 1-based): chr19:35,032,700, C>T. VCF-style: chr19-35032700-C-T. GRCh37 (hg19) VCF-style: chr19-35523604-C-T.
Other names: c.207+6C>T (NM_199037.5); c.108+6C>T (NM_001321605.2).
Identifiers: ClinVar variation 935943 (VCV000935943.9), dbSNP rs771917643, ClinGen allele CA9371969.
Genomic context (GRCh38, chr19:35,032,700, plus strand): 5'-TGAGACCTTCACCGAGTGGACCTTCCGCCAGAAGGGCACTGAGGAGTTTGTCAAGGTGTG[C>T]GGGTGCCGGGAACGGGCATGGGAGGGCAGGGGTCCACGAGTGGGAGGCGGTGGGGCTGGA-3'